The following is an entry in ClinVar:

ClinVar aggregate classification (germline): Benign/Likely benign. Review status: criteria provided, multiple submitters, no conflicts (2 of 4 stars). 4 submissions from 4 submitters: Benign (1); Likely benign (3). Last evaluated 2025-10-31.

Conditions:
Hereditary cancer-predisposing syndrome. Also called: Tumor predisposition; Hereditary Cancer Syndrome; Hereditary neoplastic syndrome; Neoplastic Syndromes, Hereditary. Identifiers: Orphanet 140162, MedGen C0027672, MeSH D009386, MONDO:0015356.
Familial adenomatous polyposis 1 (FAP1). Also called: FAMILIAL ADENOMATOUS POLYPOSIS 1, ATTENUATED; POLYPOSIS, ADENOMATOUS INTESTINAL. Identifiers: MedGen C2713442, MONDO:0021056, OMIM 175100. Disease mechanism: loss of function.

Submissions (4):

Labcorp Genetics (formerly Invitae), Labcorp
Classification: Likely benign for Familial adenomatous polyposis 1. Last evaluated: 2025-10-31. Review status: criteria provided, single submitter. Criteria: Invitae Variant Classification Sherloc (09022015). Collection method: clinical testing. Allele origin: germline.

Myriad Genetics, Inc.
Classification: Benign for Familial adenomatous polyposis 1. Last evaluated: 2024-03-01. Review status: criteria provided, single submitter. Criteria: Myriad Autosomal Dominant, Autosomal Recessive and X-Linked Classification Criteria (2023). Collection method: clinical testing. Allele origin: unknown.
Comment: This variant is considered benign. This variant is a silent/synonymous amino acid change and it is not expected to impact splicing.

Ambry Genetics
Classification: Likely benign for Hereditary cancer-predisposing syndrome. Last evaluated: 2023-08-25. Review status: criteria provided, single submitter. Criteria: Ambry Variant Classification Scheme 2023. Collection method: clinical testing. Allele origin: germline.

Color Diagnostics, LLC DBA Color Health
Classification: Likely benign for Hereditary cancer-predisposing syndrome. Last evaluated: 2021-11-22. Review status: criteria provided, single submitter. Criteria: ACMG Guidelines, 2015. Collection method: clinical testing. Allele origin: germline.

NM_000038.6(APC):c.1416A>G (p.Leu472=)

Gene: APC (APC regulator of Wnt signaling pathway; plus strand). Cytogenetic location: 5q22.2.
Variant type: single nucleotide variant.
Coding change: c.1416A>G on transcript NM_000038.6 (MANE Select); coding-DNA position 1416, A replaced by G.
Protein change: p.Leu472=; no amino-acid change (leucine 472 retained).
Molecular consequence: synonymous variant.
Genome position (GRCh38, 1-based): chr5:112,827,115, A>G. VCF-style: chr5-112827115-A-G. GRCh37 (hg19) VCF-style: chr5-112162812-A-G.
Other names: c.1416A>G, p.Leu472= (NM_001127510.3, NM_001354895.2); c.1362A>G, p.Leu454= (NM_001127511.3); c.1470A>G, p.Leu490= (NM_001354896.2); c.1446A>G, p.Leu482= (NM_001354897.2); c.1341A>G, p.Leu447= (NM_001354898.2); c.1332A>G, p.Leu444= (NM_001354899.2); c.1293A>G, p.Leu431= (NM_001354900.2); c.1239A>G, p.Leu413= (NM_001354901.2); and 5 more.
Identifiers: ClinVar variation 537585 (VCV000537585.12), dbSNP rs1554081635, ClinGen allele CA445755897.
Genomic context (GRCh38, chr5:112,827,115, plus strand): 5'-AGTTTGTTTTATTTTAGATGATTGTCTTTTTCCTCTTGCCCTTTTTAAATTAGGGGGACT[A>G]CAGGCCATTGCAGAATTATTGCAAGTGGACTGTGAAATGTATGGGCTTACTAATGACCAC-3'
Protein context (NP_000029.2, residues 462-482): HRHAMNELGG[Leu472=]QAIAELLQVD